The following is an entry in ClinVar:

ClinVar aggregate classification (germline): Uncertain significance (1 of 4 stars; one submission).

Conditions:
Retinoblastoma (RB1). Also called: RETINOBLASTOMA, SOMATIC. Identifiers: Orphanet 790, MedGen C0035335, MeSH D012175, MONDO:0008380, OMIM 180200, HP:0009919. Disease mechanism: loss of function. Inheritance: Both sporadic and heritable forms are tested..

Allele frequency attached by ClinVar (database versions not stated): gnomAD exomes below 0.00001.
gnomAD v4.1: 1 of 1,614,190 alleles (0.000062%); highest among the groups gnomAD compares: Non-Finnish European, 0.000085%; no homozygotes.

Submission:

Labcorp Genetics (formerly Invitae), Labcorp
Classification: Uncertain significance for Retinoblastoma. Last evaluated: 2024-05-07. Review status: criteria provided, single submitter. Criteria: Invitae Variant Classification Sherloc (09022015). Collection method: clinical testing. Allele origin: germline.
Comment: This sequence change replaces lysine, which is basic and polar, with arginine, which is basic and polar, at codon 614 of the RB1 protein (p.Lys614Arg). This variant is not present in population databases (gnomAD no frequency). This variant has not been reported in the literature in individuals affected with RB1-related conditions. ClinVar contains an entry for this variant (Variation ID: 1436511). Advanced modeling of protein sequence and biophysical properties (such as structural, functional, and spatial information, amino acid conservation, physicochemical variation, residue mobility, and thermodynamic stability) performed at Invitae indicates that this missense variant is not expected to disrupt RB1 protein function with a negative predictive value of 80%. In summary, the available evidence is currently insufficient to determine the role of this variant in disease. Therefore, it has been classified as a Variant of Uncertain Significance.

NM_000321.3(RB1):c.1841A>G (p.Lys614Arg)

Gene: RB1 (RB transcriptional corepressor 1; plus strand). Cytogenetic location: 13q14.2.
Variant type: single nucleotide variant.
Coding change: c.1841A>G on transcript NM_000321.3 (MANE Select); coding-DNA position 1841, A replaced by G.
Protein change: p.Lys614Arg; replaces lysine 614 with arginine.
Molecular consequence: missense variant.
Genome position (GRCh38, 1-based): chr13:48,456,230, A>G. VCF-style: chr13-48456230-A-G. GRCh37 (hg19) VCF-style: chr13-49030366-A-G.
Other names: short protein forms K614R.
Identifiers: ClinVar variation 1436511 (VCV001436511.8), dbSNP rs2138331098, ClinGen allele CA388165739.
Genomic context (GRCh38, chr13:48,456,230, plus strand): 5'-TTGAAATGAAGACTTTTCCTTTAAATATATCTAGGTATCTTTCTCCTGTAAGATCTCCAA[A>G]GAAAAAAGGTTCAACTACGCGTGTAAATTCTACTGCAAATGCAGAGACACAAGCAACCTC-3'
Protein context (NP_000312.2, residues 604-624): DMYLSPVRSP[Lys614Arg]KKGSTTRVNS